The following is an entry in ClinVar:

ClinVar aggregate classification (germline): Uncertain significance (1 of 4 stars; one submission).

Conditions:
Hereditary cancer-predisposing syndrome. Also called: Neoplastic Syndromes, Hereditary; Tumor predisposition; Hereditary Cancer Syndrome; Hereditary neoplastic syndrome. Identifiers: Orphanet 140162, MedGen C0027672, MeSH D009386, MONDO:0015356.

Submission:

Ambry Genetics
Classification: Uncertain significance for Hereditary cancer-predisposing syndrome. Last evaluated: 2020-07-01. Review status: criteria provided, single submitter. Criteria: Ambry Variant Classification Scheme 2023. Collection method: clinical testing. Allele origin: germline.
Comment: The p.H1276Q variant (also known as c.3828T>A), located in coding exon 23 of the PTCH1 gene, results from a T to A substitution at nucleotide position 3828. The histidine at codon 1276 is replaced by glutamine, an amino acid with highly similar properties. This amino acid position is well conserved in available vertebrate species. In addition, this alteration is predicted to be tolerated by in silico analysis. Since supporting evidence is limited at this time, the clinical significance of this alteration remains unclear.

NM_000264.5(PTCH1):c.3828T>A (p.His1276Gln)

Gene: PTCH1 (patched 1; minus strand). Cytogenetic location: 9q22.32.
Variant type: single nucleotide variant.
Coding change: c.3828T>A on transcript NM_000264.5 (MANE Select); coding-DNA position 3828, T replaced by A.
Protein change: p.His1276Gln; replaces histidine 1276 with glutamine.
Molecular consequence: missense variant. On other transcripts: non-coding transcript variant (1).
Genome position (GRCh38, 1-based): chr9:95,447,428, A>T on the plus strand (T>A on the coding strand, the complement: PTCH1 is on the minus strand). VCF-style: chr9-95447428-A-T. GRCh37 (hg19) VCF-style: chr9-98209710-A-T.
Other names: c.3630T>A, p.His1210Gln (NM_001083602.3); c.3825T>A, p.His1275Gln (NM_001083603.3); c.3375T>A, p.His1125Gln (NM_001083604.3, NM_001083605.3, NM_001083606.3 and 1 more transcripts); c.3672T>A, p.His1224Gln (NM_001354918.2); short protein forms H1210Q, H1224Q, H1275Q, H1125Q, H1276Q.
Identifiers: ClinVar variation 1735319 (VCV001735319.2), dbSNP rs2538003257, ClinGen allele CA374110840.